The following is an entry in ClinVar:

NM_005045.4(RELN):c.2388G>T (p.Leu796Phe)

Gene: RELN (reelin; minus strand). Cytogenetic location: 7q22.1.
Variant type: single nucleotide variant.
Coding change: c.2388G>T on transcript NM_005045.4 (MANE Select); coding-DNA position 2388, G replaced by T.
Protein change: p.Leu796Phe; replaces leucine 796 with phenylalanine.
Molecular consequence: missense variant.
Genome position (GRCh38, 1-based): chr7:103,635,502, C>A on the plus strand (G>T on the coding strand, the complement: RELN is on the minus strand). VCF-style: chr7-103635502-C-A. GRCh37 (hg19) VCF-style: chr7-103275949-C-A.
Other names: c.2388G>T, p.Leu796Phe (NM_173054.3); short protein forms L796F.
Identifiers: ClinVar variation 2938651 (VCV002938651.3), dbSNP rs759784651, ClinGen allele CA163925573.

ClinVar aggregate classification (germline): Uncertain significance (1 of 4 stars; one submission).

Conditions:
Norman-Roberts syndrome (LIS2). Also called: Lissencephaly 2 (Norman-Roberts type). Identifiers: Orphanet 89844, MedGen C0796089, MONDO:0009760, OMIM 257320.
Familial temporal lobe epilepsy 7. Identifiers: Orphanet 101046, MedGen C4225327, MONDO:0014639, OMIM 616436.

gnomAD v4.1: 23 of 1,613,936 alleles (0.0014%); highest among the groups gnomAD compares: Non-Finnish European, 0.0019%; no homozygotes.

Submission:

Labcorp Genetics (formerly Invitae), Labcorp
Classification: Uncertain significance for Familial temporal lobe epilepsy 7; Norman-Roberts syndrome. Last evaluated: 2023-05-30. Review status: criteria provided, single submitter. Criteria: Invitae Variant Classification Sherloc (09022015). Collection method: clinical testing. Allele origin: germline.
Comment: Advanced modeling of protein sequence and biophysical properties (such as structural, functional, and spatial information, amino acid conservation, physicochemical variation, residue mobility, and thermodynamic stability) performed at Invitae indicates that this missense variant is not expected to disrupt RELN protein function. This sequence change replaces leucine, which is neutral and non-polar, with phenylalanine, which is neutral and non-polar, at codon 796 of the RELN protein (p.Leu796Phe). This variant is present in population databases (rs759784651, gnomAD 0.0009%). This variant has not been reported in the literature in individuals affected with RELN-related conditions. In summary, the available evidence is currently insufficient to determine the role of this variant in disease. Therefore, it has been classified as a Variant of Uncertain Significance.